The following is an entry in ClinVar:

ClinVar aggregate classification (germline): Uncertain significance. Review status: criteria provided, multiple submitters, no conflicts (2 of 4 stars). 4 submissions from 4 submitters: Uncertain significance (4). Last evaluated 2025-12-30.

Conditions:
Brugada syndrome. Also called: Sudden unexpected nocturnal death syndrome; Sudden unexplained nocturnal death syndrome; Sudden Unexplained Death Syndrome; Sudden Unexplained Nocturnal Death Syndrome (SUNDS). Identifiers: Orphanet 130, MedGen C1142166, MONDO:0015263.
Cardiovascular phenotype. Identifiers: MedGen CN230736.
SCN10A-related disorder. Also called: SCN10A-related condition.

Allele frequency attached by ClinVar (database versions not stated): gnomAD exomes below 0.00001 and 0.00001; ExAC 0.00001; TOPMed 0.00001; gnomAD 0.00003.
gnomAD v4.1: 21 of 1,614,088 alleles (0.0013%); highest among the groups gnomAD compares: Middle Eastern, 0.033%; no homozygotes.

Submissions (4):

Labcorp Genetics (formerly Invitae), Labcorp
Classification: Uncertain significance for Brugada syndrome. Last evaluated: 2025-12-30. Review status: criteria provided, single submitter. Criteria: Invitae Variant Classification Sherloc (09022015). Collection method: clinical testing. Allele origin: germline.
Comment: This sequence change replaces arginine, which is basic and polar, with cysteine, which is neutral and slightly polar, at codon 829 of the SCN10A protein (p.Arg829Cys). This variant is present in population databases (rs755974168, gnomAD 0.0009%). This variant has not been reported in the literature in individuals affected with SCN10A-related conditions. ClinVar contains an entry for this variant (Variation ID: 1312974). Invitae Evidence Modeling of protein sequence and biophysical properties (such as structural, functional, and spatial information, amino acid conservation, physicochemical variation, residue mobility, and thermodynamic stability) indicates that this missense variant is not expected to disrupt SCN10A protein function with a negative predictive value of 80%. In summary, the available evidence is currently insufficient to determine the role of this variant in disease. Therefore, it has been classified as a Variant of Uncertain Significance.

PreventionGenetics, part of Exact Sciences
Classification: Uncertain significance for SCN10A-related condition. Last evaluated: 2025-12-21. Review status: criteria provided, single submitter. Criteria: ACMG Guidelines, 2015. Collection method: clinical testing. Allele origin: germline.
Comment: The SCN10A c.2485C>T variant is predicted to result in the amino acid substitution p.Arg829Cys. To our knowledge, this variant has not been reported in the literature. This variant is reported in 0.00088% of alleles in individuals of European (Non-Finnish) descent in gnomAD. At this time, the clinical significance of this variant is uncertain due to the absence of conclusive functional and genetic evidence.

GeneDx
Classification: Uncertain significance. Last evaluated: 2025-08-15. Review status: criteria provided, single submitter. Criteria: GeneDx Variant Classification Process June 2021. Collection method: clinical testing. Allele origin: germline. Affected: yes.
Comment: Has not been previously published as pathogenic or benign to our knowledge; In silico analysis supports that this missense variant has a deleterious effect on protein structure/function; Not observed at significant frequency in large population cohorts (gnomAD)

Ambry Genetics
Classification: Uncertain significance for Cardiovascular phenotype. Last evaluated: 2024-12-05. Review status: criteria provided, single submitter. Criteria: Ambry Variant Classification Scheme 2023. Collection method: clinical testing. Allele origin: germline.

NM_006514.4(SCN10A):c.2485C>T (p.Arg829Cys)

Gene: SCN10A (sodium voltage-gated channel alpha subunit 10; minus strand). Cytogenetic location: 3p22.2.
Variant type: single nucleotide variant.
Coding change: c.2485C>T on transcript NM_006514.4 (MANE Select); coding-DNA position 2485, C replaced by T.
Protein change: p.Arg829Cys; replaces arginine 829 with cysteine.
Molecular consequence: missense variant.
Genome position (GRCh38, 1-based): chr3:38,728,697, G>A on the plus strand (C>T on the coding strand, the complement: SCN10A is on the minus strand). VCF-style: chr3-38728697-G-A. GRCh37 (hg19) VCF-style: chr3-38770188-G-A.
Other names: c.2485C>T (NM_006514.3); c.2485C>T, p.Arg829Cys (NM_001293306.2); c.2191C>T, p.Arg731Cys (NM_001293307.2); short protein forms R731C, R829C.
Identifiers: ClinVar variation 1312974 (VCV001312974.13), dbSNP rs755974168, ClinGen allele CA2320526.